The following is an entry in ClinVar:

NM_016169.4(SUFU):c.1090C>T (p.Arg364Trp)

Gene: SUFU (SUFU negative regulator of hedgehog signaling; plus strand). Cytogenetic location: 10q24.32.
Variant type: single nucleotide variant.
Coding change: c.1090C>T on transcript NM_016169.4 (MANE Select); coding-DNA position 1090, C replaced by T.
Protein change: p.Arg364Trp; replaces arginine 364 with tryptophan.
Molecular consequence: missense variant.
Genome position (GRCh38, 1-based): chr10:102,615,335, C>T. VCF-style: chr10-102615335-C-T. GRCh37 (hg19) VCF-style: chr10-104375092-C-T.
Other names: c.1090C>T, p.Arg364Trp (NM_001178133.2); short protein forms R364W.
Identifiers: ClinVar variation 656199 (VCV000656199.13), dbSNP rs1305395503, ClinGen allele CA377914111.
Genomic context (GRCh38, chr10:102,615,335, plus strand): 5'-AAAGACAGCCTGGAAAGTGACAGCTCCACGGCCATCATTCCCCATGAGCTGATTCGCACG[C>T]GGCAGCTTGAGAGCGTACATCTGAAATTCAACCAGGAGTCCGGAGCCCTCATTCCTCTCT-3'
Protein context (NP_057253.2, residues 354-374): AIIPHELIRT[Arg364Trp]QLESVHLKFN

ClinVar aggregate classification (germline): Uncertain significance. Review status: criteria provided, multiple submitters, no conflicts (2 of 4 stars). 3 submissions from 3 submitters: Uncertain significance (3). Last evaluated 2026-01-18.

Conditions:
Gorlin syndrome. Also called: Nevoid Basal Cell Carcinoma Syndrome; Basal cell nevus syndrome. Identifiers: Orphanet 377, MedGen C0004779, MONDO:0007187.
Medulloblastoma (MDB). Also called: MEDULLOBLASTOMA PREDISPOSITION SYNDROME; Medulloblastoma, somatic. Identifiers: Orphanet 616, MedGen C0025149, MeSH D008527, MONDO:0007959, OMIM 155255, HP:0002885.
Familial meningioma. Also called: Meningioma, familial, susceptibility to. Identifiers: Orphanet 263662, MedGen C3551915, MONDO:0011789, OMIM 607174.
Joubert syndrome 32 (JBTS32). Identifiers: MedGen C4540342, MONDO:0033309, OMIM 617757.
Hereditary cancer-predisposing syndrome. Also called: Neoplastic Syndromes, Hereditary; Hereditary neoplastic syndrome; Hereditary Cancer Syndrome; Tumor predisposition. Identifiers: Orphanet 140162, MedGen C0027672, MeSH D009386, MONDO:0015356.

Allele frequency attached by ClinVar (database versions not stated): gnomAD exomes below 0.00001.
gnomAD v4.1: 16 of 1,614,152 alleles (0.00099%); highest among the groups gnomAD compares: East Asian, 0.0045%; no homozygotes.

Submissions (3):

Labcorp Genetics (formerly Invitae), Labcorp
Classification: Uncertain significance for Gorlin syndrome; Medulloblastoma. Last evaluated: 2026-01-18. Review status: criteria provided, single submitter. Criteria: Invitae Variant Classification Sherloc (09022015). Collection method: clinical testing. Allele origin: germline.
Comment: This sequence change replaces arginine, which is basic and polar, with tryptophan, which is neutral and slightly polar, at codon 364 of the SUFU protein (p.Arg364Trp). This variant is present in population databases (no rsID available, gnomAD 0.0009%). This variant has not been reported in the literature in individuals affected with SUFU-related conditions. ClinVar contains an entry for this variant (Variation ID: 656199). Invitae Evidence Modeling of protein sequence and biophysical properties (such as structural, functional, and spatial information, amino acid conservation, physicochemical variation, residue mobility, and thermodynamic stability) indicates that this missense variant is not expected to disrupt SUFU protein function with a negative predictive value of 80%. In summary, the available evidence is currently insufficient to determine the role of this variant in disease. Therefore, it has been classified as a Variant of Uncertain Significance.

Ambry Genetics
Classification: Uncertain significance for Hereditary cancer-predisposing syndrome. Last evaluated: 2024-06-14. Review status: criteria provided, single submitter. Criteria: Ambry Variant Classification Scheme 2023. Collection method: clinical testing. Allele origin: germline.
Comment: The p.R364W variant (also known as c.1090C>T), located in coding exon 9 of the SUFU gene, results from a C to T substitution at nucleotide position 1090. The arginine at codon 364 is replaced by tryptophan, an amino acid with dissimilar properties. This amino acid position is highly conserved in available vertebrate species. In addition, the in silico prediction for this alteration is inconclusive. Since supporting evidence is limited at this time, the clinical significance of this alteration remains unclear.

Fulgent Genetics
Classification: Uncertain significance for Basal cell nevus syndrome 1; Medulloblastoma; Familial meningioma; Joubert syndrome 32. Last evaluated: 2022-05-04. Review status: criteria provided, single submitter. Criteria: ACMG Guidelines, 2015. Collection method: clinical testing. Allele origin: unknown.